The following is an entry in ClinVar:

NM_001110556.2(FLNA):c.455T>C (p.Met152Thr)

Gene: FLNA (filamin A; minus strand). Cytogenetic location: Xq28.
Variant type: single nucleotide variant.
Coding change: c.455T>C on transcript NM_001110556.2 (MANE Select); coding-DNA position 455, T replaced by C.
Protein change: p.Met152Thr; replaces methionine 152 with threonine.
Molecular consequence: missense variant.
Genome position (GRCh38, 1-based): chrX:154,368,009, A>G on the plus strand (T>C on the coding strand, the complement: FLNA is on the minus strand). VCF-style: chrX-154368009-A-G. GRCh37 (hg19) VCF-style: chrX-153596377-A-G.
Other names: c.455T>C, p.Met152Thr (NM_001456.4); short protein forms M152T.
Identifiers: ClinVar variation 4856302 (VCV004856302.1).

ClinVar aggregate classification (germline): Uncertain significance (1 of 4 stars; one submission).

Conditions:
FLNA-related disorder.

Submission:

3billion
Classification: Uncertain significance for FLNA-related disorder. Last evaluated: 2025-12-18. Review status: criteria provided, single submitter. Criteria: ACMG Guidelines, 2015. Collection method: clinical testing. Allele origin: germline. Affected: yes.
Comment: The variant is not observed in the gnomAD v4.1.0 dataset. Predicted Consequence/Location: Missense variant In silico tool predictions suggest damaging effect of the variant on gene or gene product [REVEL: 0.74 (>=0.6, sensitivity 0.68 and specificity 0.92); 3Cnet: 0.95 (> 0.75, sensitivity 0.96 and precision 0.92)]. Therefore, this variant is classified as VUS according to the recommendation of ACMG/AMP guideline.